The following is an entry in ClinVar:

ClinVar aggregate classification (germline): Uncertain significance (1 of 4 stars; one submission).

Submission:

Geisinger Autism and Developmental Medicine Institute, Geisinger Health System
Classification: Uncertain significance. Last evaluated: 2018-03-22. Review status: criteria provided, single submitter. Criteria: ACMG CNV Guidelines, 2011. Collection method: provider interpretation. Allele origin: maternal.
Comment: The duplication includes the EDA2R and AR genes. Smaller duplications within this region have been identified in individuals with intellectual disability (Madrigal et al. 2007; DECIPHER Case 249562).

Literature cited by the submitters: PubMed 18047645.

Single allele

Genes: AR (androgen receptor; plus strand), EDA2R (ectodysplasin A2 receptor; minus strand). Cytogenetic location: Xq12.
Variant type: Duplication.
Identifiers: ClinVar variation 560104 (VCV000560104.3).